The following is an entry in ClinVar:

NM_015425.6(POLR1A):c.5104G>A (p.Val1702Ile)

Gene: POLR1A (RNA polymerase I subunit A; minus strand). Cytogenetic location: 2p11.2.
Variant type: single nucleotide variant.
Coding change: c.5104G>A on transcript NM_015425.6 (MANE Select); coding-DNA position 5104, G replaced by A.
Protein change: p.Val1702Ile; replaces valine 1702 with isoleucine.
Molecular consequence: missense variant.
Genome position (GRCh38, 1-based): chr2:86,027,482, C>T on the plus strand (G>A on the coding strand, the complement: POLR1A is on the minus strand). VCF-style: chr2-86027482-C-T. GRCh37 (hg19) VCF-style: chr2-86254605-C-T.
Other names: c.5104G>A (NM_015425.3); short protein forms V1702I.
Identifiers: ClinVar variation 1369863 (VCV001369863.7), dbSNP rs1054654186, ClinGen allele CA51362625.
Genomic context (GRCh38, chr2:86,027,482, plus strand): 5'-GCTATCTCAGAGGCTGCTTGAGCTCGAACAGGCCTGTCCCGCCCCTGACGACCTTCCCGA[C>T]CACAAGGCAGGCAGAAGGAGACCTCAGCTCATCGTGGGATCCTGACAGAGACACAAAAAC-3'
Protein context (NP_056240.2, residues 1692-1712): ELRSPSACLV[Val1702Ile]GKVVRGGTGL

ClinVar aggregate classification (germline): Uncertain significance. Review status: criteria provided, multiple submitters, no conflicts (2 of 4 stars). 2 submissions from 2 submitters: Uncertain significance (2). Last evaluated 2024-08-27.

Conditions:
Inborn genetic diseases. Identifiers: MedGen C0950123, MeSH D030342.

Allele frequency attached by ClinVar (database versions not stated): gnomAD 0.00001; gnomAD exomes 0.00001; TOPMed 0.00004.
gnomAD v4.1: 15 of 1,614,100 alleles (0.00093%); highest among the groups gnomAD compares: Non-Finnish European, 0.0012%; no homozygotes.

Submissions (2):

Labcorp Genetics (formerly Invitae), Labcorp
Classification: Uncertain significance. Last evaluated: 2024-08-27. Review status: criteria provided, single submitter. Criteria: Invitae Variant Classification Sherloc (09022015). Collection method: clinical testing. Allele origin: germline.
Comment: This sequence change replaces valine, which is neutral and non-polar, with isoleucine, which is neutral and non-polar, at codon 1702 of the POLR1A protein (p.Val1702Ile). This variant is present in population databases (no rsID available, gnomAD 0.002%). This variant has not been reported in the literature in individuals affected with POLR1A-related conditions. ClinVar contains an entry for this variant (Variation ID: 1369863). Invitae Evidence Modeling of protein sequence and biophysical properties (such as structural, functional, and spatial information, amino acid conservation, physicochemical variation, residue mobility, and thermodynamic stability) indicates that this missense variant is not expected to disrupt POLR1A protein function with a negative predictive value of 80%. In summary, the available evidence is currently insufficient to determine the role of this variant in disease. Therefore, it has been classified as a Variant of Uncertain Significance.

Ambry Genetics
Classification: Uncertain significance for Inborn genetic diseases. Last evaluated: 2022-06-24. Review status: criteria provided, single submitter. Criteria: Ambry Variant Classification Scheme 2023. Collection method: clinical testing. Allele origin: germline.